The following is an entry in ClinVar:

ClinVar aggregate classification (germline): Uncertain significance (1 of 4 stars; one submission).

Conditions:
Singleton-Merten syndrome 1 (SGMRT1). Also called: Syndrome of widened medullary cavities of the metacarpals and phalanges, aortic calcification and abnormal dentition; Widened medullary cavities of bone, aortic calcification, abnormal dentition, and muscular weakness. Identifiers: Orphanet 85191, MedGen C4225427, MONDO:0024535, OMIM 182250.
Aicardi-Goutieres syndrome 7 (AGS7). Identifiers: Orphanet 51, MedGen C3888244, MONDO:0014367, OMIM 615846.

Submission:

Labcorp Genetics (formerly Invitae), Labcorp
Classification: Uncertain significance for Aicardi-Goutieres syndrome 7; Singleton-Merten syndrome 1. Last evaluated: 2022-08-23. Review status: criteria provided, single submitter. Criteria: Invitae Variant Classification Sherloc (09022015). Collection method: clinical testing. Allele origin: germline.
Comment: This sequence change replaces glutamic acid, which is acidic and polar, with aspartic acid, which is acidic and polar, at codon 682 of the IFIH1 protein (p.Glu682Asp). This variant is not present in population databases (gnomAD no frequency). This variant has not been reported in the literature in individuals affected with IFIH1-related conditions. In summary, the available evidence is currently insufficient to determine the role of this variant in disease. Therefore, it has been classified as a Variant of Uncertain Significance. Algorithms developed to predict the effect of missense changes on protein structure and function output the following: SIFT: "Tolerated"; PolyPhen-2: "Benign"; Align-GVGD: "Class C0". The aspartic acid amino acid residue is found in multiple mammalian species, which suggests that this missense change does not adversely affect protein function.

NM_022168.4(IFIH1):c.2046A>C (p.Glu682Asp)

Gene: IFIH1 (interferon induced with helicase C domain 1; minus strand). Cytogenetic location: 2q24.2.
Variant type: single nucleotide variant.
Coding change: c.2046A>C on transcript NM_022168.4 (MANE Select); coding-DNA position 2046, A replaced by C.
Protein change: p.Glu682Asp; replaces glutamic acid 682 with aspartic acid.
Molecular consequence: missense variant.
Genome position (GRCh38, 1-based): chr2:162,276,945, T>G on the plus strand (A>C on the coding strand, the complement: IFIH1 is on the minus strand). VCF-style: chr2-162276945-T-G. GRCh37 (hg19) VCF-style: chr2-163133455-T-G.
Other names: short protein forms E682D.
Identifiers: ClinVar variation 1717808 (VCV001717808.5), dbSNP rs2468958377, ClinGen allele CA348998130.